The following is an entry in ClinVar:

NM_001844.5(COL2A1):c.460G>T (p.Glu154Ter)

Gene: COL2A1 (collagen type II alpha 1 chain; minus strand). Cytogenetic location: 12q13.11.
Variant type: single nucleotide variant.
Coding change: c.460G>T on transcript NM_001844.5 (MANE Select); coding-DNA position 460, G replaced by T.
Protein change: p.Glu154Ter; replaces glutamic acid 154 with a stop codon.
Molecular consequence: nonsense.
Genome position (GRCh38, 1-based): chr12:47,997,677, C>A on the plus strand (G>T on the coding strand, the complement: COL2A1 is on the minus strand). VCF-style: chr12-47997677-C-A. GRCh37 (hg19) VCF-style: chr12-48391460-C-A.
Other names: c.253G>T, p.Glu85Ter (NM_033150.3); short protein forms E154*, E85*.
Identifiers: ClinVar variation 1457128 (VCV001457128.6), dbSNP rs1228018976, ClinGen allele CA384524860.

ClinVar aggregate classification (germline): Pathogenic (1 of 4 stars; one submission).

Submission:

Labcorp Genetics (formerly Invitae), Labcorp
Classification: Pathogenic. Last evaluated: 2024-07-16. Review status: criteria provided, single submitter. Criteria: Invitae Variant Classification Sherloc (09022015). Collection method: clinical testing. Allele origin: germline.
Comment: This sequence change creates a premature translational stop signal (p.Glu154*) in the COL2A1 gene. It is expected to result in an absent or disrupted protein product. Loss-of-function variants in COL2A1 are known to be pathogenic (PMID: 20179744). This variant is not present in population databases (gnomAD no frequency). This variant has not been reported in the literature in individuals affected with COL2A1-related conditions. ClinVar contains an entry for this variant (Variation ID: 1457128). For these reasons, this variant has been classified as Pathogenic.

Literature cited by the submitters: PubMed 20179744.